The following is an entry in ClinVar:

NM_001134363.3(RBM20):c.-6C>T

Gene: RBM20 (RNA binding motif protein 20; plus strand). Cytogenetic location: 10q25.2.
Variant type: single nucleotide variant.
Coding change: c.-6C>T on transcript NM_001134363.3 (MANE Select); 6 bases upstream of the start codon, C replaced by T.
Molecular consequence: 5 prime UTR variant.
Genome position (GRCh38, 1-based): chr10:110,644,449, C>T. VCF-style: chr10-110644449-C-T. GRCh37 (hg19) VCF-style: chr10-112404207-C-T.
Identifiers: ClinVar variation 43962 (VCV000043962.7), dbSNP rs397516589, ClinGen allele CA133244.

ClinVar aggregate classification (germline): Likely benign. Review status: criteria provided, multiple submitters, no conflicts (2 of 4 stars). 2 submissions from 2 submitters: Likely benign (2). Last evaluated 2022-10-27.

Allele frequency attached by ClinVar (database versions not stated): gnomAD 0.00002 and 0.00003; gnomAD exomes 0.00007; TOPMed 0.00001 and 0.00002.
gnomAD v4.1: 217 of 1,483,238 alleles (0.015%); highest among the groups gnomAD compares: Non-Finnish European, 0.019%; 1 homozygote.

Submissions (2):

GeneDx
Classification: Likely benign. Last evaluated: 2022-10-27. Review status: criteria provided, single submitter. Criteria: GeneDx Variant Classification Process June 2021. Collection method: clinical testing. Allele origin: germline. Affected: yes.
Comment: See Variant Classification Assertion Criteria.

Laboratory for Molecular Medicine, Mass General Brigham Personalized Medicine
Classification: Likely benign. Last evaluated: 2012-07-31. Review status: criteria provided, single submitter. Criteria: LMM Criteria. Collection method: clinical testing. Allele origin: germline. Observed: 2 variant alleles.
Comment: -6C>T in the 5' UTR of RBM20: This variant is located in the 5' UTR and varian ts in regulatory regions could have an effect on transcriptional or translationa l efficiency. However, no variants in this region of RBM20 have been found to be pathogenic in individuals with cardiomyopathy. Therefore, this variant is not e xpected to have clinical significance.